The following is an entry in ClinVar:

ClinVar aggregate classification (germline): Uncertain significance. Review status: criteria provided, multiple submitters, no conflicts (2 of 4 stars). 2 submissions from 2 submitters: Uncertain significance (2). Last evaluated 2023-11-13.

Conditions:
Hereditary cancer-predisposing syndrome. Also called: Neoplastic Syndromes, Hereditary; Hereditary Cancer Syndrome; Tumor predisposition; Hereditary neoplastic syndrome. Identifiers: Orphanet 140162, MedGen C0027672, MeSH D009386, MONDO:0015356.

Submissions (2):

Color Diagnostics, LLC DBA Color Health
Classification: Uncertain significance for Hereditary cancer-predisposing syndrome. Last evaluated: 2023-11-13. Review status: criteria provided, single submitter. Criteria: ACMG Guidelines, 2015. Collection method: clinical testing. Allele origin: germline.
Comment: This missense variant replaces threonine with isoleucine at codon 1136 of the PALB2 protein. Computational prediction suggests that this variant may not impact protein structure and function. To our knowledge, functional studies have not been reported for this variant. This variant has not been reported in individuals affected with PALB2-related disorders in the literature. This variant has not been identified in the general population by the Genome Aggregation Database (gnomAD). The available evidence is insufficient to determine the role of this variant in disease conclusively. Therefore, this variant is classified as a Variant of Uncertain Significance.

Ambry Genetics
Classification: Uncertain significance for Hereditary cancer-predisposing syndrome. Last evaluated: 2020-08-31. Review status: criteria provided, single submitter. Criteria: Ambry Variant Classification Scheme 2023. Collection method: clinical testing. Allele origin: germline.
Comment: The p.T1136I variant (also known as c.3407C>T), located in coding exon 13 of the PALB2 gene, results from a C to T substitution at nucleotide position 3407. The threonine at codon 1136 is replaced by isoleucine, an amino acid with similar properties. This amino acid position is not well conserved in available vertebrate species. In addition, this alteration is predicted to be tolerated by in silico analysis. Since supporting evidence is limited at this time, the clinical significance of this alteration remains unclear.

NM_024675.4(PALB2):c.3407C>T (p.Thr1136Ile)

Gene: PALB2 (partner and localizer of BRCA2; minus strand). Cytogenetic location: 16p12.2.
Variant type: single nucleotide variant.
Coding change: c.3407C>T on transcript NM_024675.4 (MANE Select); coding-DNA position 3407, C replaced by T.
Protein change: p.Thr1136Ile; replaces threonine 1136 with isoleucine.
Molecular consequence: missense variant.
Genome position (GRCh38, 1-based): chr16:23,603,613, G>A on the plus strand (C>T on the coding strand, the complement: PALB2 is on the minus strand). VCF-style: chr16-23603613-G-A. GRCh37 (hg19) VCF-style: chr16-23614934-G-A.
Other names: short protein forms T1136I.
Identifiers: ClinVar variation 928412 (VCV000928412.7), dbSNP rs1966403655, ClinGen allele CA395138233.
Genomic context (GRCh38, chr16:23,603,613, plus strand): 5'-TCAGAGACAGGTGGGAGGAGGGCAGTACACTGACCGAGAAGTAAGTCCCAAATGGCAATT[G>A]TTCCAGAAGTCAAGATTGCTGCTGCACAGTGATCTTTCACGTCACCTTCCAGGAACCTGA-3'
Protein context (NP_078951.2, residues 1126-1146): HCAAAILTSG[Thr1136Ile]IAIWDLLLGQ